The following is an entry in ClinVar:

ClinVar aggregate classification (germline): Uncertain significance (1 of 4 stars; one submission).

Conditions:
Cardiovascular phenotype. Identifiers: MedGen CN230736.

Submission:

Ambry Genetics
Classification: Uncertain significance for Cardiovascular phenotype. Last evaluated: 2021-08-19. Review status: criteria provided, single submitter. Criteria: Ambry Variant Classification Scheme 2023. Collection method: clinical testing. Allele origin: germline.
Comment: The p.R517K variant (also known as c.1550G>A), located in coding exon 12 of the LAMA4 gene, results from a G to A substitution at nucleotide position 1550. The arginine at codon 517 is replaced by lysine, an amino acid with highly similar properties. This amino acid position is conserved. In addition, this alteration is predicted to be tolerated by in silico analysis. Since supporting evidence is limited at this time, the clinical significance of this alteration remains unclear.

NM_001105206.3(LAMA4):c.1571G>A (p.Arg524Lys)

Gene: LAMA4 (laminin subunit alpha 4; minus strand). Cytogenetic location: 6q21.
Variant type: single nucleotide variant.
Coding change: c.1571G>A on transcript NM_001105206.3 (MANE Select); coding-DNA position 1571, G replaced by A.
Protein change: p.Arg524Lys; replaces arginine 524 with lysine.
Molecular consequence: missense variant.
Genome position (GRCh38, 1-based): chr6:112,165,257, C>T on the plus strand (G>A on the coding strand, the complement: LAMA4 is on the minus strand). VCF-style: chr6-112165257-C-T. GRCh37 (hg19) VCF-style: chr6-112486459-C-T.
Other names: c.1550G>A, p.Arg517Lys (NM_001105207.3, NM_002290.5); short protein forms R524K, R517K.
Identifiers: ClinVar variation 1775049 (VCV001775049.2), dbSNP rs2547092350, ClinGen allele CA365368268.